The following is an entry in ClinVar:

NM_003803.4(MYOM1):c.133G>T (p.Ala45Ser)

Gene: MYOM1 (myomesin 1; minus strand). Cytogenetic location: 18p11.31.
Variant type: single nucleotide variant.
Coding change: c.133G>T on transcript NM_003803.4 (MANE Select); coding-DNA position 133, G replaced by T.
Protein change: p.Ala45Ser; replaces alanine 45 with serine.
Molecular consequence: missense variant.
Genome position (GRCh38, 1-based): chr18:3,215,091, C>A on the plus strand (G>T on the coding strand, the complement: MYOM1 is on the minus strand). VCF-style: chr18-3215091-C-A. GRCh37 (hg19) VCF-style: chr18-3215089-C-A.
Other names: c.133G>T, p.Ala45Ser (NM_019856.2); short protein forms A45S.
Identifiers: ClinVar variation 1478933 (VCV001478933.6), dbSNP rs749964099, ClinGen allele CA8875351.

ClinVar aggregate classification (germline): Uncertain significance (1 of 4 stars; one submission).

Conditions:
Hypertrophic cardiomyopathy. Also called: HYPERTROPHIC MYOCARDIOPATHY. Identifiers: Orphanet 217569, MedGen C0007194, MeSH D002312, MONDO:0005045, HP:0001639.

Allele frequency attached by ClinVar (database versions not stated): gnomAD exomes below 0.00001; ExAC 0.00001.

Submission:

Labcorp Genetics (formerly Invitae), Labcorp
Classification: Uncertain significance for Hypertrophic cardiomyopathy. Last evaluated: 2021-10-04. Review status: criteria provided, single submitter. Criteria: Invitae Variant Classification Sherloc (09022015). Collection method: clinical testing. Allele origin: germline.
Comment: Algorithms developed to predict the effect of missense changes on protein structure and function (SIFT, PolyPhen-2, Align-GVGD) all suggest that this variant is likely to be tolerated. This sequence change replaces alanine with serine at codon 45 of the MYOM1 protein (p.Ala45Ser). The alanine residue is moderately conserved and there is a moderate physicochemical difference between alanine and serine. This variant is present in population databases (rs749964099, ExAC 0.006%). This variant has not been reported in the literature in individuals affected with MYOM1-related conditions. In summary, the available evidence is currently insufficient to determine the role of this variant in disease. Therefore, it has been classified as a Variant of Uncertain Significance.